The following is an entry in ClinVar:

ClinVar aggregate classification (germline): Uncertain significance. Review status: criteria provided, multiple submitters, no conflicts (2 of 4 stars). 10 submissions from 9 submitters: Uncertain significance (9). 1 of the submissions does not count toward it. Last evaluated 2026-05-27.

Conditions:
Retinitis pigmentosa 39 (RP39). Identifiers: Orphanet 791, MedGen C3151138, MONDO:0013436, OMIM 613809.
USH2A-related disorder. Also called: USH2A-related disorders; USH2A-related condition. Identifiers: MedGen CN239332.
Usher syndrome type 2A. Also called: RETINAL DISEASE IN USHER SYNDROME TYPE IIA, MODIFIER OF; USHER SYNDROME, TYPE IIA. Identifiers: Orphanet 231178, Orphanet 886, MedGen C1848634, MONDO:0010169, OMIM 276901.

Allele frequency attached by ClinVar (database versions not stated): gnomAD exomes 0.00002 and 0.00008; gnomAD 0.00005 and 0.00006; ExAC 0.00007; TOPMed 0.00009; ESP Exome Variant Server 0.00015; 1000 Genomes Project 30x 0.00016.
gnomAD v4.1: 61 of 1,613,866 alleles (0.0038%); highest among the groups gnomAD compares: Admixed American, 0.017%; no homozygotes.

Submissions (10):

PreventionGenetics, part of Exact Sciences
Classification: Uncertain significance for USH2A-related condition. Last evaluated: 2026-05-27. Review status: criteria provided, single submitter. Criteria: ACMG Guidelines, 2015. Collection method: clinical testing. Allele origin: germline.
Comment: The USH2A c.14957C>T variant is predicted to result in the amino acid substitution p.Thr4986Met. To our knowledge, this variant has not been reported in the literature. This variant is reported in 0.040% of alleles in individuals of East Asian descent in gnomAD. At this time, the clinical significance of this variant is uncertain due to the absence of conclusive functional and genetic evidence.

GeneDx
Classification: Uncertain significance. Last evaluated: 2025-05-02. Review status: criteria provided, single submitter. Criteria: GeneDx Variant Classification Process June 2021. Collection method: clinical testing. Allele origin: germline. Affected: yes.
Comment: In silico analysis supports that this missense variant has a deleterious effect on protein structure/function; Has not been previously published as pathogenic or benign to our knowledge

Labcorp Genetics (formerly Invitae), Labcorp
Classification: Uncertain significance. Last evaluated: 2024-11-04. Review status: criteria provided, single submitter. Criteria: Invitae Variant Classification Sherloc (09022015). Collection method: clinical testing. Allele origin: germline.
Comment: This sequence change replaces threonine, which is neutral and polar, with methionine, which is neutral and non-polar, at codon 4986 of the USH2A protein (p.Thr4986Met). This variant is present in population databases (rs375429745, gnomAD 0.04%). This variant has not been reported in the literature in individuals affected with USH2A-related conditions. ClinVar contains an entry for this variant (Variation ID: 971154). Invitae Evidence Modeling of protein sequence and biophysical properties (such as structural, functional, and spatial information, amino acid conservation, physicochemical variation, residue mobility, and thermodynamic stability) indicates that this missense variant is not expected to disrupt USH2A protein function with a negative predictive value of 95%. In summary, the available evidence is currently insufficient to determine the role of this variant in disease. Therefore, it has been classified as a Variant of Uncertain Significance.

Blueprint Genetics
Classification: Uncertain significance. Last evaluated: 2024-10-21. Review status: criteria provided, single submitter. Criteria: ACMG Guidelines, 2015. Collection method: clinical testing. Allele origin: germline.

Genome-Nilou Lab
Classification: Uncertain significance for Retinitis pigmentosa 39. Last evaluated: 2023-11-04. Review status: criteria provided, single submitter. Criteria: ACMG Guidelines, 2015. Collection method: clinical testing. Allele origin: germline. Affected: no.

Genome-Nilou Lab
Classification: Uncertain significance for Usher syndrome type 2A. Last evaluated: 2023-11-04. Review status: criteria provided, single submitter. Criteria: ACMG Guidelines, 2015. Collection method: clinical testing. Allele origin: germline. Affected: no.

MGZ Medical Genetics Center
Classification: Uncertain significance for Usher syndrome type 2A. Last evaluated: 2021-10-14. Review status: criteria provided, single submitter. Criteria: ACMG Guidelines, 2015. Collection method: clinical testing. Allele origin: germline. Affected: yes. Observed: 1 variant allele.
Comment: ACMG criteria applied: PM2_SUP

Fulgent Genetics
Classification: Uncertain significance for Usher syndrome type 2A; Retinitis pigmentosa 39. Last evaluated: 2021-09-16. Review status: criteria provided, single submitter. Criteria: ACMG Guidelines, 2015. Collection method: clinical testing. Allele origin: unknown.

Breakthrough Genomics
Classification: Uncertain significance. Review status: criteria provided, single submitter. Criteria: ACMG Guidelines, 2015. Collection method: not provided. Allele origin: germline. Inheritance: Autosomal recessive inheritance. Affected: yes.

Natera, Inc.
Classification: Uncertain significance for Usher syndrome type 2A. Last evaluated: 2020-01-28. Review status: no assertion criteria provided. Collection method: clinical testing. Allele origin: germline. Not counted in ClinVar's aggregate classification.

NM_206933.4(USH2A):c.14957C>T (p.Thr4986Met)

Gene: USH2A (usherin; minus strand). Cytogenetic location: 1q41.
Variant type: single nucleotide variant.
Coding change: c.14957C>T on transcript NM_206933.4 (MANE Select); coding-DNA position 14957, C replaced by T.
Protein change: p.Thr4986Met; replaces threonine 4986 with methionine.
Molecular consequence: missense variant.
Genome position (GRCh38, 1-based): chr1:215,640,569, G>A on the plus strand (C>T on the coding strand, the complement: USH2A is on the minus strand). VCF-style: chr1-215640569-G-A. GRCh37 (hg19) VCF-style: chr1-215813911-G-A.
Other names: short protein forms T4986M.
Identifiers: ClinVar variation 971154 (VCV000971154.15), dbSNP rs375429745, ClinGen allele CA1392870.